The following is an entry in ClinVar:

NM_000182.5(HADHA):c.1921del (p.Glu641fs)

Genes: HADHA (hydroxyacyl-CoA dehydrogenase trifunctional multienzyme complex subunit alpha; minus strand), GAREM2 (GRB2 associated regulator of MAPK1 subtype 2; plus strand). Cytogenetic location: 2p23.3.
Variant type: Deletion.
Coding change: c.1921del on transcript NM_000182.5 (MANE Select); coding-DNA position 1921, one base deleted (G; older notation c.1921delG).
Protein change: p.Glu641fs; shifts the reading frame from glutamic acid 641.
Molecular consequence: frameshift variant.
Genome position (GRCh38, 1-based): chr2:26,192,389, C deleted on the plus strand (G on the coding strand, the reverse complement: HADHA is on the minus strand); the first of 2 consecutive C bases (chr2:26,192,389-26,192,390); deleting either gives the same sequence. VCF-style (leftmost placement, unchanged base first): chr2-26192388-TC-T. GRCh37 (hg19) VCF-style: chr2-26415257-TC-T.
Other names: short protein forms E641fs.
Identifiers: ClinVar variation 2950171 (VCV002950171.4), dbSNP rs2465508625, ClinGen allele CA2740092715.

ClinVar aggregate classification (germline): Pathogenic. Review status: criteria provided, multiple submitters, no conflicts (2 of 4 stars). 2 submissions from 2 submitters: Pathogenic (2). Last evaluated 2024-02-17.

Conditions:
Mitochondrial trifunctional protein deficiency. Identifiers: Orphanet 746, MedGen C1969443, MONDO:0012172.
Long chain 3-hydroxyacyl-CoA dehydrogenase deficiency. Also called: Deficiency of long-chain 3-hydroxyacyl-coenzyme A dehydrogenase; LCHAD Deficiency. Identifiers: Orphanet 5, MedGen C3711645, MONDO:0012173, OMIM 609016.

Submissions (2):

Myriad Genetics, Inc.
Classification: Pathogenic for Long chain 3-hydroxyacyl-CoA dehydrogenase deficiency. Last evaluated: 2024-02-17. Review status: criteria provided, single submitter. Criteria: Myriad Autosomal Dominant, Autosomal Recessive and X-Linked Classification Criteria (2023). Collection method: clinical testing. Allele origin: unknown.
Comment: NM_000182.4(HADHA):c.1921delG(E641Rfs*3) is expected to be pathogenic in the context of HADHA-related disorders. This variant is predicted to lead to an abnormal or absent protein product due to the creation of a premature termination codon in HADHA, a gene where loss-of-function variants are known to be pathogenic. Please note: this variant was assessed in the context of healthy population screening.

Labcorp Genetics (formerly Invitae), Labcorp
Classification: Pathogenic for Mitochondrial trifunctional protein deficiency; Long chain 3-hydroxyacyl-CoA dehydrogenase deficiency. Last evaluated: 2023-07-21. Review status: criteria provided, single submitter. Criteria: Invitae Variant Classification Sherloc (09022015). Collection method: clinical testing. Allele origin: germline.
Comment: For these reasons, this variant has been classified as Pathogenic. This variant has not been reported in the literature in individuals affected with HADHA-related conditions. This variant is not present in population databases (gnomAD no frequency). This sequence change creates a premature translational stop signal (p.Glu641Argfs*3) in the HADHA gene. It is expected to result in an absent or disrupted protein product. Loss-of-function variants in HADHA are known to be pathogenic (PMID: 7738175, 21103935, 21549624, 22459206).

Literature cited by the submitters: PubMed 7738175 (cited by Labcorp Genetics (formerly Invitae), Labcorp); PubMed 21103935 (cited by Labcorp Genetics (formerly Invitae), Labcorp); PubMed 21549624 (cited by Labcorp Genetics (formerly Invitae), Labcorp); PubMed 22459206 (cited by Labcorp Genetics (formerly Invitae), Labcorp).